The following is an entry in ClinVar:

ClinVar aggregate classification (germline): Uncertain significance. Review status: criteria provided, multiple submitters, no conflicts (2 of 4 stars). 2 submissions from 2 submitters: Uncertain significance (2). Last evaluated 2025-07-11.

Conditions:
Nephronophthisis. Also called: Juvenile Nephronophthisis. Identifiers: Orphanet 655, MedGen C0687120, MONDO:0019005, HP:0000090.
Inborn genetic diseases. Identifiers: MedGen C0950123, MeSH D030342.

Allele frequency attached by ClinVar (database versions not stated): gnomAD exomes below 0.00001; ExAC 0.00001.
gnomAD v4.1: 1 of 1,609,322 alleles (0.000062%); highest among the groups gnomAD compares: Non-Finnish European, 0.000085%; no homozygotes.

Submissions (2):

Ambry Genetics
Classification: Uncertain significance for Inborn genetic diseases. Last evaluated: 2025-07-11. Review status: criteria provided, single submitter. Criteria: Ambry Variant Classification Scheme 2023. Collection method: clinical testing. Allele origin: germline.

Labcorp Genetics (formerly Invitae), Labcorp
Classification: Uncertain significance for Nephronophthisis. Last evaluated: 2022-07-19. Review status: criteria provided, single submitter. Criteria: Invitae Variant Classification Sherloc (09022015). Collection method: clinical testing. Allele origin: germline.
Comment: This sequence change replaces leucine, which is neutral and non-polar, with proline, which is neutral and non-polar, at codon 1043 of the NPHP4 protein (p.Leu1043Pro). The frequency data for this variant in the population databases is considered unreliable, as metrics indicate poor data quality at this position in the gnomAD database. In summary, the available evidence is currently insufficient to determine the role of this variant in disease. Therefore, it has been classified as a Variant of Uncertain Significance. Algorithms developed to predict the effect of missense changes on protein structure and function output the following: SIFT: "Deleterious"; PolyPhen-2: "Benign"; Align-GVGD: "Class C0". The proline amino acid residue is found in multiple mammalian species, which suggests that this missense change does not adversely affect protein function. ClinVar contains an entry for this variant (Variation ID: 1524114). This variant has not been reported in the literature in individuals affected with NPHP4-related conditions.

NM_015102.5(NPHP4):c.3128T>C (p.Leu1043Pro)

Gene: NPHP4 (nephrocystin 4; minus strand). Cytogenetic location: 1p36.31.
Variant type: single nucleotide variant.
Coding change: c.3128T>C on transcript NM_015102.5 (MANE Select); coding-DNA position 3128, T replaced by C.
Protein change: p.Leu1043Pro; replaces leucine 1043 with proline.
Molecular consequence: missense variant. On other transcripts: non-coding transcript variant (1).
Genome position (GRCh38, 1-based): chr1:5,874,574, A>G on the plus strand (T>C on the coding strand, the complement: NPHP4 is on the minus strand). VCF-style: chr1-5874574-A-G. GRCh37 (hg19) VCF-style: chr1-5934634-A-G.
Other names: c.1589T>C, p.Leu530Pro (NM_001291593.2); c.1592T>C, p.Leu531Pro (NM_001291594.2); c.3128T>C (NM_015102.3); short protein forms L530P, L1043P, L531P.
Identifiers: ClinVar variation 1524114 (VCV001524114.7), dbSNP rs755481438, ClinGen allele CA553788.